The following is an entry in ClinVar:

ClinVar aggregate classification (germline): Uncertain significance (1 of 4 stars; one submission).

Allele frequency attached by ClinVar (database versions not stated): gnomAD 0.00003; 1000 Genomes Project 30x 0.00016; gnomAD exomes 0.00021; ExAC 0.00067.
gnomAD v4.1: 75 of 1,458,938 alleles (0.0051%); highest among the groups gnomAD compares: South Asian, 0.098%; 1 homozygote.

Submission:

Labcorp Genetics (formerly Invitae), Labcorp
Classification: Uncertain significance. Last evaluated: 2022-08-16. Review status: criteria provided, single submitter. Criteria: Invitae Variant Classification Sherloc (09022015). Collection method: clinical testing. Allele origin: germline.
Comment: This sequence change replaces alanine, which is neutral and non-polar, with valine, which is neutral and non-polar, at codon 147 of the BLOC1S3 protein (p.Ala147Val). This variant is present in population databases (rs746337829, gnomAD 0.1%). This variant has not been reported in the literature in individuals affected with BLOC1S3-related conditions. ClinVar contains an entry for this variant (Variation ID: 1424547). Algorithms developed to predict the effect of missense changes on protein structure and function are either unavailable or do not agree on the potential impact of this missense change (SIFT: "Tolerated"; PolyPhen-2: "Possibly Damaging"; Align-GVGD: "Class C0"). In summary, the available evidence is currently insufficient to determine the role of this variant in disease. Therefore, it has been classified as a Variant of Uncertain Significance.

NM_212550.5(BLOC1S3):c.440C>T (p.Ala147Val)

Gene: BLOC1S3 (biogenesis of lysosomal organelles complex 1 subunit 3; plus strand). Cytogenetic location: 19q13.32.
Variant type: single nucleotide variant.
Coding change: c.440C>T on transcript NM_212550.5 (MANE Select); coding-DNA position 440, C replaced by T.
Protein change: p.Ala147Val; replaces alanine 147 with valine.
Molecular consequence: missense variant.
Genome position (GRCh38, 1-based): chr19:45,179,736, C>T. VCF-style: chr19-45179736-C-T. GRCh37 (hg19) VCF-style: chr19-45682994-C-T.
Other names: short protein forms A147V.
Identifiers: ClinVar variation 1424547 (VCV001424547.4), dbSNP rs746337829, ClinGen allele CA9510253.